The following is an entry in ClinVar:

ClinVar aggregate classification (germline): Uncertain significance (1 of 4 stars; one submission).

Conditions:
Amyotrophic lateral sclerosis type 1 (ALS1). Also called: AMYOTROPHIC LATERAL SCLEROSIS 1, FAMILIAL. Identifiers: Orphanet 803, MedGen C1862939, MONDO:0007103, OMIM 105400.
Perry syndrome. Also called: PARKINSONISM WITH ALVEOLAR HYPOVENTILATION AND MENTAL DEPRESSION. Identifiers: Orphanet 178509, MedGen C1868594, MONDO:0008201, OMIM 168605.
Neuronopathy, distal hereditary motor, type 7B. Also called: HMN VIIB; NEURONOPATHY, DISTAL HEREDITARY MOTOR, AUTOSOMAL DOMINANT 14; NEURONOPATHY, DISTAL HEREDITARY MOTOR, HARDING TYPE VIIB; NEUROPATHY, DISTAL HEREDITARY MOTOR, HARDING TYPE VIIB; NEUROPATHY, DISTAL HEREDITARY MOTOR, WITH VOCAL CORD PARALYSIS, HARDING TYPE VIIB; LOWER MOTOR NEURON DISEASE, DYNACTIN TYPE. Identifiers: Orphanet 139589, MedGen C1843315, MONDO:0011879, OMIM 607641.

Allele frequency attached by ClinVar (database versions not stated): TOPMed below 0.00001; gnomAD 0.00001; gnomAD exomes 0.00003 and 0.00006; ExAC 0.00011.
gnomAD v4.1: 53 of 1,613,852 alleles (0.0033%); highest among the groups gnomAD compares: East Asian, 0.0089%; no homozygotes.

Submission:

Labcorp Genetics (formerly Invitae), Labcorp
Classification: Uncertain significance for Amyotrophic lateral sclerosis type 1; Neuronopathy, distal hereditary motor, type 7B; Perry syndrome. Last evaluated: 2023-04-09. Review status: criteria provided, single submitter. Criteria: Invitae Variant Classification Sherloc (09022015). Collection method: clinical testing. Allele origin: germline.
Comment: This variant is present in population databases (rs775294408, gnomAD 0.01%). This sequence change replaces arginine, which is basic and polar, with cysteine, which is neutral and slightly polar, at codon 275 of the DCTN1 protein (p.Arg275Cys). This variant has not been reported in the literature in individuals affected with DCTN1-related conditions. In summary, the available evidence is currently insufficient to determine the role of this variant in disease. Therefore, it has been classified as a Variant of Uncertain Significance. Advanced modeling of protein sequence and biophysical properties (such as structural, functional, and spatial information, amino acid conservation, physicochemical variation, residue mobility, and thermodynamic stability) performed at Invitae indicates that this missense variant is not expected to disrupt DCTN1 protein function. ClinVar contains an entry for this variant (Variation ID: 567626).

NM_004082.5(DCTN1):c.823C>T (p.Arg275Cys)

Gene: DCTN1 (dynactin subunit 1; minus strand). Cytogenetic location: 2p13.1.
Variant type: single nucleotide variant.
Coding change: c.823C>T on transcript NM_004082.5 (MANE Select); coding-DNA position 823, C replaced by T.
Protein change: p.Arg275Cys; replaces arginine 275 with cysteine.
Molecular consequence: missense variant. On other transcripts: non-coding transcript variant (1).
Genome position (GRCh38, 1-based): chr2:74,370,999, G>A on the plus strand (C>T on the coding strand, the complement: DCTN1 is on the minus strand). VCF-style: chr2-74370999-G-A. GRCh37 (hg19) VCF-style: chr2-74598126-G-A.
Other names: c.763C>T, p.Arg255Cys (NM_001135040.3); c.421C>T, p.Arg141Cys (NM_001135041.3, NM_023019.4); c.712C>T, p.Arg238Cys (NM_001190836.2); c.802C>T, p.Arg268Cys (NM_001190837.2); c.772C>T, p.Arg258Cys (NM_001378991.1); c.754C>T, p.Arg252Cys (NM_001378992.1); short protein forms R141C, R275C, R238C, R255C, R268C, R252C, R258C.
Identifiers: ClinVar variation 567626 (VCV000567626.7), dbSNP rs775294408, ClinGen allele CA1722320.